The following is an entry in ClinVar:

NM_003151.4(STAT4):c.2070C>G (p.Asp690Glu)

Genes: STAT4 (signal transducer and activator of transcription 4; minus strand), STAT4-AS1 (STAT4 antisense RNA 1; plus strand). Cytogenetic location: 2q32.2.
Variant type: single nucleotide variant.
Coding change: c.2070C>G on transcript NM_003151.4 (MANE Select); coding-DNA position 2070, C replaced by G.
Protein change: p.Asp690Glu; replaces aspartic acid 690 with glutamic acid.
Molecular consequence: missense variant.
Genome position (GRCh38, 1-based): chr2:191,031,491, G>C on the plus strand (C>G on the coding strand, the complement: STAT4 is on the minus strand). VCF-style: chr2-191031491-G-C. GRCh37 (hg19) VCF-style: chr2-191896217-G-C.
Other names: c.2070C>G, p.Asp690Glu (NM_001243835.2); short protein forms D690E.
Identifiers: ClinVar variation 3687930 (VCV003687930.2).
Genomic context (GRCh38, chr2:191,031,491, plus strand): 5'-TGTGACTAACATTACTCACATTGTTGAGATGGGGATAAAAACAGAAGGAACATAACCTTT[G>C]TCACCCCTTTCTGTTGGTCTTGAAACTGGAAAACAAAAAGGCACAATGTTGGGGAAAAAA-3'
Protein context (NP_003142.1, residues 680-700): CEVSRPTERG[Asp690Glu]KGYVPSVFIP

ClinVar aggregate classification (germline): Uncertain significance (1 of 4 stars; one submission).

gnomAD v4.1: 3 of 1,613,298 alleles (0.00019%); highest among the groups gnomAD compares: Non-Finnish European, 0.00017%; no homozygotes.

Submission:

Labcorp Genetics (formerly Invitae), Labcorp
Classification: Uncertain significance. Last evaluated: 2024-10-22. Review status: criteria provided, single submitter. Criteria: Invitae Variant Classification Sherloc (09022015). Collection method: clinical testing. Allele origin: germline.
Comment: This sequence change replaces aspartic acid, which is acidic and polar, with glutamic acid, which is acidic and polar, at codon 690 of the STAT4 protein (p.Asp690Glu). This variant is not present in population databases (gnomAD no frequency). This variant has not been reported in the literature in individuals affected with STAT4-related conditions. An algorithm developed to predict the effect of missense changes on protein structure and function (PolyPhen-2) suggests that this variant is likely to be tolerated. Algorithms developed to predict the effect of sequence changes on RNA splicing suggest that this variant may disrupt the consensus splice site. In summary, the available evidence is currently insufficient to determine the role of this variant in disease. Therefore, it has been classified as a Variant of Uncertain Significance.